The following is an entry in ClinVar:

ClinVar aggregate classification (germline): Likely benign. Review status: criteria provided, multiple submitters, no conflicts (2 of 4 stars). 2 submissions from 2 submitters: Likely benign (2). Last evaluated 2024-05-08.

Conditions:
Familial cancer of breast. Also called: Hereditary breast cancer; hereditary breast carcinoma; BREAST CANCER, FAMILIAL. Identifiers: Orphanet 227535, MedGen C0346153, MONDO:0016419, OMIM 114480. Disease mechanism: loss of function.
Ataxia-telangiectasia syndrome (AT). Also called: LOUIS-BAR SYNDROME; AT, COMPLEMENTATION GROUP C; ATAXIA-TELANGIECTASIA, COMPLEMENTATION GROUP A; ATAXIA-TELANGIECTASIA, FRESNO VARIANT; Ataxia-telangiectasia; Cerebello-oculocutaneous telangiectasia. Identifiers: Orphanet 100, MedGen C0004135, MONDO:0008840, OMIM 208900.

Submissions (2):

Myriad Genetics, Inc.
Classification: Likely benign for Familial cancer of breast. Last evaluated: 2024-05-08. Review status: criteria provided, single submitter. Criteria: Myriad Autosomal Dominant, Autosomal Recessive and X-Linked Classification Criteria (2023). Collection method: clinical testing. Allele origin: unknown.
Comment: This variant is considered likely benign. This variant is intronic and is not expected to impact mRNA splicing.

Labcorp Genetics (formerly Invitae), Labcorp
Classification: Likely benign for Ataxia-telangiectasia syndrome. Last evaluated: 2023-08-28. Review status: criteria provided, single submitter. Criteria: Invitae Variant Classification Sherloc (09022015). Collection method: clinical testing. Allele origin: germline.

NM_000051.4(ATM):c.2377-14del

Gene: ATM (ATM serine/threonine kinase; plus strand). Cytogenetic location: 11q22.3.
Variant type: Deletion.
Coding change: c.2377-14del on transcript NM_000051.4 (MANE Select); 14 bases into the intron before coding-DNA position 2377, one base deleted (T; older notation c.2377-14delT).
Molecular consequence: intron variant.
Genome position (GRCh38, 1-based): chr11:108,258,972, T deleted; the last of 3 consecutive T bases (chr11:108,258,970-108,258,972); deleting any one gives the same sequence. VCF-style (leftmost placement, unchanged base first): chr11-108258969-GT-G. GRCh37 (hg19) VCF-style: chr11-108129696-GT-G.
Other names: c.2377-14del (NM_001351834.2).
Identifiers: ClinVar variation 2755472 (VCV002755472.4), dbSNP rs2497415832, ClinGen allele CA2615847419.